The following is an entry in ClinVar:

NM_000535.7(PMS2):c.2175-1335_2445+4del

Gene: PMS2 (PMS1 homolog 2, mismatch repair system component; minus strand). Cytogenetic location: 7p22.1.
Variant type: Deletion.
Coding change: c.2175-1335_2445+4del on transcript NM_000535.7 (MANE Select); 1335 bases into the intron before coding-DNA position 2175 through 4 bases into the intron after coding-DNA position 2445, 2,448 bases deleted.
Molecular consequence: splice acceptor variant, splice donor variant.
Genome position (GRCh38, 1-based): chr7:5,977,584-5,980,031, 2,448 bases deleted. GRCh37 (hg19): chr7:6,017,217-6,019,664.
Other names: c.1857-1335_2127+4del (NM_001322008.2, NM_001322007.2); c.1614-1335_1884+4del (NM_001322010.2); c.1770-1335_2040+4del (NM_001322004.2, NM_001322003.2, NM_001322005.2); c.1602-1335_1872+4del (NM_001322013.2); c.1242-1335_1512+4del (NM_001322012.2, NM_001322011.2); c.1866-1335_2136+4del (NM_001322015.2); c.2019-1335_2289+4del (NM_001322006.2); c.2175-1335_2478+4del (NM_001322014.2); and 1 more.
Identifiers: ClinVar variation 1050329 (VCV001050329.1), ClinGen allele CA2499218940.

ClinVar aggregate classification (germline): Pathogenic (0 of 4 stars; one submission).

Conditions:
Endometrial carcinoma. Also called: Endometrial carcinoma, somatic. Identifiers: MedGen C0476089, MONDO:0002447, OMIM 608089, HP:0012114.

Submission:

Department of Pathology and Laboratory Medicine, Sinai Health System
Classification: Pathogenic for Endometrial carcinoma. Review status: no assertion criteria provided. Collection method: clinical testing. Allele origin: unknown. Affected: yes. Study: The Canadian Open Genetics Repository (COGR).
Comment: The PMS2 c.1-?_2445+?del variant (chr:7 g.6017219_6048650del GRCh37) results in a deletion of exons 1-14 including the initiation codon, although the precise breakpoints of this deletion were not determined, nor were the effects of this variant on the resulting mRNA or protein product determined. The PMS2 c.1-?_2445+?del variant was not identified in the literature nor was it identified in the dbSNP or ClinVar databases. The variant was only identified in LOVD 3.0 (1x as pathogenic). The variant was not identified in the following control databases: the Exome Aggregation Consortium (August 8th 2016), or the Genome Aggregation Database (Feb 27, 2017). This alteration is predicted to result in an absent protein and loss of function. Loss of function variants of the PMS2 gene are an established mechanism of disease in PMS2 associated cancers and is the type of variant expected to cause the disorder. In summary, based on the above information this variant meets our laboratoryâ€šÃ„Ã´s criteria to be classified as pathogenic.